The following is an entry in ClinVar:

ClinVar aggregate classification (germline): Uncertain significance. Review status: criteria provided, multiple submitters, no conflicts (2 of 4 stars). 2 submissions from 2 submitters: Uncertain significance (2). Last evaluated 2025-02-19.

Conditions:
Charcot-Marie-Tooth disease, demyelinating, IIA 1H. Also called: Charcot-Marie-Tooth disease, demyelinating, type 1H; HEREDITARY MOTOR AND SENSORY NEUROPATHY, IH; CHARCOT-MARIE-TOOTH NEUROPATHY, TYPE 1H; NEUROPATHY, HEREDITARY, WITH OR WITHOUT AGE-RELATED MACULAR DEGENERATION. Identifiers: MedGen C5676926, MONDO:0030689, OMIM 619764.
Cutis laxa, autosomal dominant 2 (ADCL2). Identifiers: Orphanet 90348, MedGen C3280794, MONDO:0013751, OMIM 614434.
Macular degeneration, age-related, 3 (ARMD3). Identifiers: Orphanet 280598, MedGen C1837187, MONDO:0012145, OMIM 608895.
Cutis laxa, autosomal recessive, type 1A (ARCL1A). Also called: Autosomal recessive cutis laxa type IA. Identifiers: Orphanet 90349, MedGen C5848058, MONDO:0009052, OMIM 219100.

Allele frequency attached by ClinVar (database versions not stated): gnomAD exomes 0.00001; ExAC 0.00002.
gnomAD v4.1: 8 of 1,613,836 alleles (0.0005%); highest among the groups gnomAD compares: South Asian, 0.0022%; no homozygotes.

Submissions (2):

Labcorp Genetics (formerly Invitae), Labcorp
Classification: Uncertain significance. Last evaluated: 2025-02-19. Review status: criteria provided, single submitter. Criteria: Invitae Variant Classification Sherloc (09022015). Collection method: clinical testing. Allele origin: germline.
Comment: This sequence change replaces arginine, which is basic and polar, with histidine, which is basic and polar, at codon 359 of the FBLN5 protein (p.Arg359His). This variant is present in population databases (rs768049734, gnomAD 0.003%). This variant has not been reported in the literature in individuals affected with FBLN5-related conditions. ClinVar contains an entry for this variant (Variation ID: 1463161). Invitae Evidence Modeling of protein sequence and biophysical properties (such as structural, functional, and spatial information, amino acid conservation, physicochemical variation, residue mobility, and thermodynamic stability) indicates that this missense variant is expected to disrupt FBLN5 protein function with a positive predictive value of 80%. In summary, the available evidence is currently insufficient to determine the role of this variant in disease. Therefore, it has been classified as a Variant of Uncertain Significance.

Department of Pathology and Laboratory Medicine, Sinai Health System
Classification: Uncertain significance for Cutis laxa, autosomal recessive, type 1A; Macular degeneration, age-related, 3; Cutis laxa, autosomal dominant 2; Charcot-Marie-Tooth disease, demyelinating, IIA 1H. Last evaluated: 2022-01-06. Review status: criteria provided, single submitter. Criteria: ACMG Guidelines, 2015. Collection method: research. Allele origin: germline.

NM_006329.4(FBLN5):c.1076G>A (p.Arg359His)

Gene: FBLN5 (fibulin 5; minus strand). Cytogenetic location: 14q32.12.
Variant type: single nucleotide variant.
Coding change: c.1076G>A on transcript NM_006329.4 (MANE Select); coding-DNA position 1076, G replaced by A.
Protein change: p.Arg359His; replaces arginine 359 with histidine.
Molecular consequence: missense variant.
Genome position (GRCh38, 1-based): chr14:91,877,596, C>T on the plus strand (G>A on the coding strand, the complement: FBLN5 is on the minus strand). VCF-style: chr14-91877596-C-T. GRCh37 (hg19) VCF-style: chr14-92343940-C-T.
Other names: c.1199G>A, p.Arg400His (NM_001384158.1); c.1127G>A, p.Arg376His (NM_001384159.1); c.1076G>A, p.Arg359His (NM_001384160.1); c.908G>A, p.Arg303His (NM_001384161.1, NM_001384162.1); short protein forms R303H, R400H, R359H, R376H.
Identifiers: ClinVar variation 1463161 (VCV001463161.7), dbSNP rs768049734, ClinGen allele CA7312622.
Genomic context (GRCh38, chr14:91,877,596, plus strand): 5'-TAATAGGCCCCAGGGTAGCGGGTCGTGGCTTGCATTTGGAAGATGTCAGCGGGAACGGAG[C>T]GTCCTGACACCACGTCCATGTCCCGGTACAAGATGGTAAAGGGCTGGTCTCTGCAGCCAG-3'
Protein context (NP_006320.2, residues 349-369): LYRDMDVVSG[Arg359His]SVPADIFQMQ